The following is an entry in ClinVar:

NM_000090.4(COL3A1):c.3364-4C>G

Gene: COL3A1 (collagen type III alpha 1 chain; plus strand). Cytogenetic location: 2q32.2.
Variant type: single nucleotide variant.
Coding change: c.3364-4C>G on transcript NM_000090.4 (MANE Select); 4 bases into the intron before coding-DNA position 3364, C replaced by G.
Molecular consequence: intron variant.
Genome position (GRCh38, 1-based): chr2:189,007,881, C>G. VCF-style: chr2-189007881-C-G. GRCh37 (hg19) VCF-style: chr2-189872607-C-G.
Identifiers: ClinVar variation 3072426 (VCV003072426.2), dbSNP rs1310461523, ClinGen allele CA2825001063.

ClinVar aggregate classification (germline): Conflicting classifications of pathogenicity. Review status: criteria provided, conflicting classifications (1 of 4 stars). 2 submissions from 2 submitters: Uncertain significance (1); Likely benign (1). Last evaluated 2026-01-24.

Conditions:
Ehlers-Danlos syndrome, type 4 (EDSVASC). Also called: Ehlers-Danlos Syndrome Type IV; Ehlers-Danlos syndrome vascular type; Ehlers Danlos syndrome, ecchymotic type; Ehlers Danlos syndrome, arterial type; Ehlers Danlos syndrome, Sack-Barabas type. Identifiers: Orphanet 286, MedGen C0268338, MONDO:0017314, OMIM 130050.

Submissions (2):

Labcorp Genetics (formerly Invitae), Labcorp
Classification: Likely benign for Ehlers-Danlos syndrome, type 4. Last evaluated: 2026-01-24. Review status: criteria provided, single submitter. Criteria: Invitae Variant Classification Sherloc (09022015). Collection method: clinical testing. Allele origin: germline.

All of Us Research Program, National Institutes of Health
Classification: Uncertain significance for Ehlers-Danlos syndrome, type 4. Last evaluated: 2023-07-10. Review status: criteria provided, single submitter. Criteria: ACMG Guidelines, 2015. Collection method: clinical testing. Allele origin: germline. Inheritance: Autosomal dominant inheritance. Observed: 1 variant allele, 1 heterozygote.
Comment: This variant causes a C to G nucleotide substitution at the -4 position of intron 45 of the COL3A1 gene. To our knowledge, functional studies have not been reported for this variant. This variant has not been reported in individuals affected with COL3A1-related disorders in the literature. This variant has not been identified in the general population by the Genome Aggregation Database (gnomAD). The available evidence is insufficient to determine the role of this variant in disease conclusively. Therefore, this variant is classified as a Variant of Uncertain Significance.

This study involves interpretation of variants in research participants for the purpose of population health screening. Participant phenotype was not available at the time of variant classification. Additional details can be found in publication PMID: 35346344, PMCID: PMC8962531